The following is an entry in ClinVar:

NM_031924.8(RSPH3):c.26C>A (p.Thr9Asn)

Gene: RSPH3 (radial spoke head 3; minus strand). Cytogenetic location: 6q25.3.
Variant type: single nucleotide variant.
Coding change: c.26C>A on transcript NM_031924.8 (MANE Select); coding-DNA position 26, C replaced by A.
Protein change: p.Thr9Asn; replaces threonine 9 with asparagine.
Molecular consequence: missense variant. On other transcripts: non-coding transcript variant (1).
Genome position (GRCh38, 1-based): chr6:158,999,525, G>T on the plus strand (C>A on the coding strand, the complement: RSPH3 is on the minus strand). VCF-style: chr6-158999525-G-T. GRCh37 (hg19) VCF-style: chr6-159420557-G-T.
Other names: c.452C>A, p.Thr151Asn (NM_001346418.1); short protein forms T151N, T9N.
Identifiers: ClinVar variation 1514123 (VCV001514123.7), dbSNP rs377423690, ClinGen allele CA4076021.
Genomic context (GRCh38, chr6:158,999,525, plus strand): 5'-CGCTGGCAGGGCAGTGCTCGGGGCCGGCTGGTGTAGGTGTAGGTGCTCGGGGCCCGAGAG[G>T]TGCGATCAGTCAGCGCTGAGGCCATGTCCGGGGGCTGACTGCCTCGCTTTCGGTGGAGCT-3'
Protein context (NP_114130.4, residues 1-19): MASALTDR[Thr9Asn]SRAPSTYTYT

ClinVar aggregate classification (germline): Uncertain significance. Review status: criteria provided, multiple submitters, no conflicts (2 of 4 stars). 2 submissions from 2 submitters: Uncertain significance (2). Last evaluated 2025-07-14.

Conditions:
Primary ciliary dyskinesia 32. Also called: CILIARY DYSKINESIA, PRIMARY, 32, WITHOUT SITUS INVERSUS. Identifiers: Orphanet 244, MedGen C4225311, MONDO:0014657, OMIM 616481.

Allele frequency attached by ClinVar (database versions not stated): ExAC 0.00001; gnomAD exomes 0.00001 and 0.00003; gnomAD 0.00003; TOPMed 0.00003; ESP Exome Variant Server 0.00008.

Submissions (2):

Labcorp Genetics (formerly Invitae), Labcorp
Classification: Uncertain significance for Primary ciliary dyskinesia 32. Last evaluated: 2025-07-14. Review status: criteria provided, single submitter. Criteria: Invitae Variant Classification Sherloc (09022015). Collection method: clinical testing. Allele origin: germline.
Comment: This sequence change replaces threonine, which is neutral and polar, with asparagine, which is neutral and polar, at codon 151 of the RSPH3 protein (p.Thr151Asn). This variant is present in population databases (rs377423690, gnomAD 0.002%). This variant has not been reported in the literature in individuals affected with RSPH3-related conditions. ClinVar contains an entry for this variant (Variation ID: 1514123). An algorithm developed to predict the effect of missense changes on protein structure and function outputs the following: PolyPhen-2: "Benign". The asparagine amino acid residue is found in multiple mammalian species, which suggests that this missense change does not adversely affect protein function. In summary, the available evidence is currently insufficient to determine the role of this variant in disease. Therefore, it has been classified as a Variant of Uncertain Significance.

Blueprint Genetics
Classification: Uncertain significance. Last evaluated: 2022-09-22. Review status: criteria provided, single submitter. Criteria: ACMG Guidelines, 2015. Collection method: clinical testing. Allele origin: germline.